The following is an entry in ClinVar:

ClinVar aggregate classification (germline): Conflicting classifications of pathogenicity. Review status: criteria provided, conflicting classifications (1 of 4 stars). 5 submissions from 5 submitters: Pathogenic (1); Likely pathogenic (3); Uncertain significance (1). Last evaluated 2026-01-21.

Conditions:
Very long chain acyl-CoA dehydrogenase deficiency (ACADVLD). Also called: VLCAD Deficiency; Very Long-Chain Acyl-Coenzyme A Dehydrogenase Deficiency. Identifiers: Orphanet 26793, MedGen C3887523, MONDO:0008723, OMIM 201475.

Allele frequency attached by ClinVar (database versions not stated): gnomAD exomes below 0.00001; TOPMed below 0.00001; ExAC 0.00001; gnomAD 0.00001.
gnomAD v4.1: 6 of 1,614,012 alleles (0.00037%); highest among the groups gnomAD compares: Non-Finnish European, 0.00051%; no homozygotes.

Submissions (5):

Natera, Inc.
Classification: Likely pathogenic for Very long chain acyl-CoA dehydrogenase deficiency. Last evaluated: 2026-01-21. Review status: criteria provided, single submitter. Criteria: Natera Variant Classification Schema (03/2026). Collection method: clinical testing. Allele origin: germline.
Comment: The c.694G>A variant in ACADVL is a missense variant predicted to cause substitution of alanine to threonine at amino acid 232. This variant is rare in the general population with a frequency below the threshold expected for the associated phenotype(s). This variant has been observed in one or more individuals affected with the associated recessive disease, as either homozygous or compound heterozygous with a second variant (PMID: 23798014, 16895136). This variant has been identified in one or more affected individual with a phenotype highly consistent with the associated gene (PMID: 23798014). Computational prediction algorithms indicate this variant is likely to affect gene or protein function. Given the available evidence, this variant is classified as Likely Pathogenic.

Labcorp Genetics (formerly Invitae), Labcorp
Classification: Pathogenic for Very long chain acyl-CoA dehydrogenase deficiency. Last evaluated: 2025-11-21. Review status: criteria provided, single submitter. Criteria: Invitae Variant Classification Sherloc (09022015). Collection method: clinical testing. Allele origin: germline.
Comment: This sequence change replaces alanine, which is neutral and non-polar, with threonine, which is neutral and polar, at codon 232 of the ACADVL protein (p.Ala232Thr). This variant is present in population databases (rs746944448, gnomAD 0.0009%). This missense change has been observed in individual(s) with very long-chain acyl-CoA dehydrogenase deficiency (PMID: 16895136; internal data). In at least one individual the data is consistent with being in trans (on the opposite chromosome) from a pathogenic variant. ClinVar contains an entry for this variant (Variation ID: 1303120). Invitae Evidence Modeling of protein sequence and biophysical properties (such as structural, functional, and spatial information, amino acid conservation, physicochemical variation, residue mobility, and thermodynamic stability) indicates that this missense variant is expected to disrupt ACADVL protein function with a positive predictive value of 80%. For these reasons, this variant has been classified as Pathogenic.

Women's Health and Genetics/Laboratory Corporation of America, LabCorp
Classification: Likely pathogenic for Very long chain acyl-CoA dehydrogenase deficiency. Last evaluated: 2025-09-22. Review status: criteria provided, single submitter. Criteria: LabCorp Variant Classification Summary - May 2015. Collection method: clinical testing. Allele origin: germline.
Comment: Variant summary: ACADVL c.694G>A (p.Ala232Thr) results in a non-conservative amino acid change located in the Acyl-CoA oxidase/dehydrogenase, middle domain (IPR006091) of the encoded protein sequence. Algorithms developed to predict the effect of missense changes on protein structure and function all suggest that this variant is likely to be disruptive. The variant allele was found at a frequency of 4e-06 in 251460 control chromosomes. c.694G>A has been observed in the presumed compound heterozygous state individual(s) affected with Very Long Chain Acyl-CoA Dehydrogenase Deficiency (Hoffman_2006, Waisbren_2013, internal data). These data indicate that the variant may be associated with disease. To our knowledge, no experimental evidence demonstrating an impact on protein function has been reported. The following publications have been ascertained in the context of this evaluation (PMID: 28871440, 16895136, 28755359, 23798014). ClinVar contains an entry for this variant (Variation ID: 1303120). Based on the evidence outlined above, the variant was classified as likely pathogenic.

Fulgent Genetics
Classification: Likely pathogenic for Very long chain acyl-CoA dehydrogenase deficiency. Last evaluated: 2024-06-18. Review status: criteria provided, single submitter. Criteria: ACMG Guidelines, 2015. Collection method: clinical testing. Allele origin: germline.

GeneDx
Classification: Uncertain significance. Last evaluated: 2020-03-26. Review status: criteria provided, single submitter. Criteria: GeneDx Variant Classification Process June 2021. Collection method: clinical testing. Allele origin: germline. Affected: yes.
Comment: In-silico analysis, which includes splice predictors and evolutionary conservation, is inconclusive as to whether the variant alters gene splicing. In the absence of RNA/functional studies, the actual effect of this sequence change is unknown.; Not observed at a significant frequency in large population cohorts (Lek et al., 2016); This variant is associated with the following publications: (PMID: 28755359, 16895136)

Literature cited by the submitters: PubMed 23798014 (cited by Natera, Inc. and Women's Health and Genetics/Laboratory Corporation of America, LabCorp); PubMed 16895136 (cited by 3 submitters); PubMed 28755359 (cited by Women's Health and Genetics/Laboratory Corporation of America, LabCorp); PubMed 28871440 (cited by Women's Health and Genetics/Laboratory Corporation of America, LabCorp).

NM_000018.4(ACADVL):c.694G>A (p.Ala232Thr)

Gene: ACADVL (acyl-CoA dehydrogenase very long chain; plus strand). Cytogenetic location: 17p13.1.
Variant type: single nucleotide variant.
Coding change: c.694G>A on transcript NM_000018.4 (MANE Select); coding-DNA position 694, G replaced by A.
Protein change: p.Ala232Thr; replaces alanine 232 with threonine.
Molecular consequence: missense variant.
Genome position (GRCh38, 1-based): chr17:7,222,023, G>A. VCF-style: chr17-7222023-G-A. GRCh37 (hg19) VCF-style: chr17-7125342-G-A.
Other names: c.628G>A, p.Ala210Thr (NM_001033859.3); c.763G>A, p.Ala255Thr (NM_001270447.2); c.466G>A, p.Ala156Thr (NM_001270448.2); c.694G>A (NM_000018.3); short protein forms A156T, A210T, A232T, A255T.
Identifiers: ClinVar variation 1303120 (VCV001303120.14), dbSNP rs746944448, ClinGen allele CA8337815.